The following is an entry in ClinVar:

NM_000186.4(CFH):c.2602dup (p.Ile868fs)

Gene: CFH (complement factor H; plus strand). Cytogenetic location: 1q31.3.
Variant type: Duplication.
Coding change: c.2602dup on transcript NM_000186.4 (MANE Select); coding-DNA position 2602, one base duplicated (A; older notation c.2602dupA).
Protein change: p.Ile868fs; shifts the reading frame from isoleucine 868.
Molecular consequence: frameshift variant.
Genome position (GRCh38, 1-based): chr1:196,737,480, A duplicated; the last of 6 consecutive A bases (chr1:196,737,475-196,737,480); duplicating any one gives the same sequence. VCF-style (leftmost placement, unchanged base first): chr1-196737474-G-GA. GRCh37 (hg19) VCF-style: chr1-196706604-G-GA.
Other names: short protein forms I868fs.
Identifiers: ClinVar variation 1454075 (VCV001454075.7), dbSNP rs2149113459, ClinGen allele CA2573131414.
Genomic context (GRCh38, chr1:196,737,474, plus strand): 5'-TTATATTTCAATTTAAGTATTTTATTTGTTTTTAACCCTTTGATTTTCATTCTTCATTTA[G>GA]AAAAAATTCCATGTTCACAACCACCTCAGATAGAACACGGAACCATTAATTCATCCAGGT-3'

ClinVar aggregate classification (germline): Pathogenic/Likely pathogenic. Review status: criteria provided, multiple submitters, no conflicts (2 of 4 stars). 2 submissions from 2 submitters: Pathogenic (1); Likely pathogenic (1). Last evaluated 2024-02-16.

Conditions:
Basal laminar drusen. Also called: DRUSEN OF BRUCH MEMBRANE; DRUSEN, CUTICULAR; DRUSEN, EARLY ADULT-ONSET, GROUPED. Identifiers: Orphanet 75376, MedGen C0730295, MONDO:0007472, OMIM 126700.
Age related macular degeneration 4. Identifiers: MedGen C1853147, MONDO:0012540, OMIM 610698.
Factor H deficiency (CFHD). Also called: COMPLEMENT FACTOR H DEFICIENCY; CFH DEFICIENCY. Identifiers: Orphanet 200421, MedGen C0398777, MONDO:0012350, OMIM 609814.
Hemolytic uremic syndrome, atypical, susceptibility to, 1. Also called: AHUS, SUSCEPTIBILITY TO, 1. Identifiers: Orphanet 2134, Orphanet 90038, MedGen C2749604, MONDO:0009335, OMIM 235400. Disease mechanism: Other.

Submissions (2):

Fulgent Genetics
Classification: Likely pathogenic for Basal laminar drusen; Hemolytic uremic syndrome, atypical, susceptibility to, 1; Factor H deficiency; Age related macular degeneration 4. Last evaluated: 2024-02-16. Review status: criteria provided, single submitter. Criteria: ACMG Guidelines, 2015. Collection method: clinical testing. Allele origin: germline.

Labcorp Genetics (formerly Invitae), Labcorp
Classification: Pathogenic. Last evaluated: 2021-07-09. Review status: criteria provided, single submitter. Criteria: Invitae Variant Classification Sherloc (09022015). Collection method: clinical testing. Allele origin: germline.
Comment: This sequence change creates a premature translational stop signal (p.Ile868Asnfs*15) in the CFH gene. It is expected to result in an absent or disrupted protein product. Loss-of-function variants in CFH are known to be pathogenic (PMID: 11170896, 14978182, 16621965, 23870792, 25188723). This variant is not present in population databases (ExAC no frequency). This variant has not been reported in the literature in individuals affected with CFH-related conditions. For these reasons, this variant has been classified as Pathogenic.

Literature cited by the submitters: PubMed 11170896 (cited by Labcorp Genetics (formerly Invitae), Labcorp); PubMed 14978182 (cited by Labcorp Genetics (formerly Invitae), Labcorp); PubMed 16621965 (cited by Labcorp Genetics (formerly Invitae), Labcorp); PubMed 23870792 (cited by Labcorp Genetics (formerly Invitae), Labcorp); PubMed 25188723 (cited by Labcorp Genetics (formerly Invitae), Labcorp).